The following is an entry in ClinVar:

NM_001369.3(DNAH5):c.7012G>C (p.Asp2338His)

Gene: DNAH5 (dynein axonemal heavy chain 5; minus strand). Cytogenetic location: 5p15.2.
Variant type: single nucleotide variant.
Coding change: c.7012G>C on transcript NM_001369.3 (MANE Select); coding-DNA position 7012, G replaced by C.
Protein change: p.Asp2338His; replaces aspartic acid 2338 with histidine.
Molecular consequence: missense variant.
Genome position (GRCh38, 1-based): chr5:13,814,823, C>G on the plus strand (G>C on the coding strand, the complement: DNAH5 is on the minus strand). VCF-style: chr5-13814823-C-G. GRCh37 (hg19) VCF-style: chr5-13814932-C-G.
Other names: short protein forms D2338H.
Identifiers: ClinVar variation 1481914 (VCV001481914.6), dbSNP rs2151800746, ClinGen allele CA359191299.

ClinVar aggregate classification (germline): Uncertain significance (1 of 4 stars; one submission).

Conditions:
Primary ciliary dyskinesia. Also called: Ciliary dyskinesia. Identifiers: Orphanet 244, MedGen C0008780, MONDO:0016575, HP:0012265.

Submission:

Labcorp Genetics (formerly Invitae), Labcorp
Classification: Uncertain significance for Primary ciliary dyskinesia. Last evaluated: 2020-12-21. Review status: criteria provided, single submitter. Criteria: Invitae Variant Classification Sherloc (09022015). Collection method: clinical testing. Allele origin: germline.
Comment: Advanced modeling of protein sequence and biophysical properties (such as structural, functional, and spatial information, amino acid conservation, physicochemical variation, residue mobility, and thermodynamic stability) performed at Invitae indicates that this missense variant is expected to disrupt DNAH5 protein function. This variant has not been reported in the literature in individuals with DNAH5-related conditions. This variant is not present in population databases (ExAC no frequency). This sequence change replaces aspartic acid with histidine at codon 2338 of the DNAH5 protein (p.Asp2338His). The aspartic acid residue is highly conserved and there is a moderate physicochemical difference between aspartic acid and histidine. In summary, the available evidence is currently insufficient to determine the role of this variant in disease. Therefore, it has been classified as a Variant of Uncertain Significance.